The following is an entry in ClinVar:

NM_001367624.2(ZNF469):c.1186G>C (p.Gly396Arg)

Gene: ZNF469 (zinc finger protein 469; plus strand). Cytogenetic location: 16q24.2.
Variant type: single nucleotide variant.
Coding change: c.1186G>C on transcript NM_001367624.2 (MANE Select); coding-DNA position 1186, G replaced by C.
Protein change: p.Gly396Arg; replaces glycine 396 with arginine.
Molecular consequence: missense variant.
Genome position (GRCh38, 1-based): chr16:88,428,656, G>C. VCF-style: chr16-88428656-G-C. GRCh37 (hg19) VCF-style: chr16-88495064-G-C.
Other names: p.Gly396Arg; short protein forms G396R.
Identifiers: ClinVar variation 2038302 (VCV002038302.2), dbSNP rs959021561, ClinGen allele CA397063640.
Genomic context (GRCh38, chr16:88,428,656, plus strand): 5'-CTGACCAAAATCCTTCCCGAAAGACCACCTTCAGCCCAGGATGGGCTGGGGAGCACGAGA[G>C]GGCCCCCTAGCTCCCTACCCCAGAGGCACTTTCCAGGGCAGGCGTACAGAGCCAGTGGGG-3'
Protein context (NP_001354553.1, residues 386-406): SAQDGLGSTR[Gly396Arg]PPSSLPQRHF

ClinVar aggregate classification (germline): Uncertain significance. Review status: criteria provided, multiple submitters, no conflicts (2 of 4 stars). 2 submissions from 2 submitters: Uncertain significance (2). Last evaluated 2025-10-06.

gnomAD v4.1: 1 of 1,550,092 alleles (0.000065%); highest among the groups gnomAD compares: Admixed American, 0.002%; no homozygotes.

Submissions (2):

Mayo Clinic Laboratories, Mayo Clinic
Classification: Uncertain significance. Last evaluated: 2025-10-06. Review status: criteria provided, single submitter. Criteria: ACMG Guidelines, 2015. Collection method: clinical testing. Allele origin: germline. Observed: 1 variant allele.
Comment: BP4_moderate

Labcorp Genetics (formerly Invitae), Labcorp
Classification: Uncertain significance. Last evaluated: 2021-12-20. Review status: criteria provided, single submitter. Criteria: Invitae Variant Classification Sherloc (09022015). Collection method: clinical testing. Allele origin: germline.
Comment: This sequence change replaces glycine, which is neutral and non-polar, with arginine, which is basic and polar, at codon 396 of the ZNF469 protein (p.Gly396Arg). This variant is present in population databases (no rsID available, gnomAD 0.004%). This variant has not been reported in the literature in individuals affected with ZNF469-related conditions. Algorithms developed to predict the effect of missense changes on protein structure and function output the following: SIFT: "Tolerated"; PolyPhen-2: "Benign"; Align-GVGD: "Class C0". The arginine amino acid residue is found in multiple mammalian species, which suggests that this missense change does not adversely affect protein function. In summary, the available evidence is currently insufficient to determine the role of this variant in disease. Therefore, it has been classified as a Variant of Uncertain Significance.